The following is an entry in ClinVar:

ClinVar aggregate classification (germline): Uncertain significance. Review status: criteria provided, multiple submitters, no conflicts (2 of 4 stars). 3 submissions from 3 submitters: Uncertain significance (2). 1 of the submissions does not count toward it. Last evaluated 2021-09-16.

Conditions:
Acyl-CoA dehydrogenase 9 deficiency. Also called: Acyl-CoA dehydrogenase family, member 9, deficiency of; MITOCHONDRIAL COMPLEX I DEFICIENCY, NUCLEAR TYPE 20. Identifiers: Orphanet 99901, MedGen C4747517, MONDO:0012624, OMIM 611126.
ACAD9-related disorder. Also called: ACAD9-related condition.

Allele frequency attached by ClinVar (database versions not stated): gnomAD exomes 0.00001 and 0.00005; gnomAD 0.00003; TOPMed 0.00005; ExAC 0.00006; 1000 Genomes Project 30x 0.00016; 1000 Genomes Project 0.00020.
gnomAD v4.1: 20 of 1,614,150 alleles (0.0012%); highest among the groups gnomAD compares: East Asian, 0.038%; no homozygotes.

Submissions (3):

Labcorp Genetics (formerly Invitae), Labcorp
Classification: Uncertain significance. Last evaluated: 2021-09-16. Review status: criteria provided, single submitter. Criteria: Invitae Variant Classification Sherloc (09022015). Collection method: clinical testing. Allele origin: germline.
Comment: This sequence change falls in intron 6 of the ACAD9 gene. It does not directly change the encoded amino acid sequence of the ACAD9 protein, but it affects a nucleotide within the consensus splice site of the intron. This variant is present in population databases (rs187282664, ExAC 0.08%). This variant has not been reported in the literature in individuals with ACAD9-related disease. Nucleotide substitutions within the consensus splice site are a relatively common cause of aberrant splicing (PMID: 17576681, 9536098). Algorithms developed to predict the effect of sequence changes on RNA splicing suggest that this variant is not likely to affect RNA splicing, but this prediction has not been confirmed by published transcriptional studies. In summary, the available evidence is currently insufficient to determine the role of this variant in disease. Therefore, it has been classified as a Variant of Uncertain Significance.

Illumina Laboratory Services, Illumina
Classification: Uncertain significance for Acyl-CoA dehydrogenase 9 deficiency. Last evaluated: 2018-04-20. Review status: criteria provided, single submitter. Criteria: ICSL Variant Classification Criteria 13 December 2019. Collection method: clinical testing. Allele origin: germline.

PreventionGenetics, part of Exact Sciences
Classification: Likely benign for ACAD9-related condition. Last evaluated: 2023-12-06. Review status: no assertion criteria provided. Collection method: clinical testing. Allele origin: germline. Not counted in ClinVar's aggregate classification.
Comment: This variant is classified as likely benign based on ACMG/AMP sequence variant interpretation guidelines (Richards et al. 2015 PMID: 25741868, with internal and published modifications).

Literature cited by the submitters: PubMed 17576681 (cited by Labcorp Genetics (formerly Invitae), Labcorp); PubMed 9536098 (cited by Labcorp Genetics (formerly Invitae), Labcorp).

NM_014049.5(ACAD9):c.634-3C>T

Gene: ACAD9 (acyl-CoA dehydrogenase family member 9; plus strand). Cytogenetic location: 3q21.3.
Variant type: single nucleotide variant.
Coding change: c.634-3C>T on transcript NM_014049.5 (MANE Select); 3 bases into the intron before coding-DNA position 634, C replaced by T.
Molecular consequence: intron variant.
Genome position (GRCh38, 1-based): chr3:128,899,284, C>T. VCF-style: chr3-128899284-C-T. GRCh37 (hg19) VCF-style: chr3-128618127-C-T.
Identifiers: ClinVar variation 900021 (VCV000900021.7), dbSNP rs187282664, ClinGen allele CA2601237.